The following is an entry in ClinVar:

NM_003470.3(USP7):c.786_787del (p.Arg262fs)

Gene: USP7 (ubiquitin specific peptidase 7; minus strand). Cytogenetic location: 16p13.2.
Variant type: Microsatellite.
Coding change: c.786_787del on transcript NM_003470.3 (MANE Select); coding-DNA positions 786 to 787, 2 bases deleted (AG; older notation c.786_787delAG).
Protein change: p.Arg262fs; shifts the reading frame from arginine 262.
Molecular consequence: frameshift variant. On other transcripts: non-coding transcript variant (1).
Genome position (GRCh38, 1-based): chr16:8,917,090-8,917,091, CT deleted on the plus strand (AG on the coding strand, the reverse complement: USP7 is on the minus strand); deleting any 2 consecutive bases within chr16:8,917,090-8,917,093 gives the same sequence; the c. name uses the placement nearest the transcript's 3' end. VCF-style (leftmost placement, unchanged base first): chr16-8917089-ACT-A. GRCh37 (hg19) VCF-style: chr16-9010946-ACT-A.
Other names: c.738_739del, p.Arg246fs (NM_001286457.2); c.489_490del, p.Arg163fs (NM_001286458.2); c.612_613del, p.Arg204fs (NM_001321858.2); short protein forms R163fs, R204fs, R246fs, R262fs.
Identifiers: ClinVar variation 4685497 (VCV004685497.1).
Genomic context (GRCh38, chr16:8,917,089, plus strand): 5'-AATGACTTTGTTAACTTTTTTGTTCCTACAGGTTTATCACTATGCTGTAATTCATAGAAC[ACT>A]CTTTGTAATGCTAAAGGGACGCTTTTAGACGAATCATCCCCCTCGGTTGGCATCATGTAC-3'

ClinVar aggregate classification (germline): Pathogenic (1 of 4 stars; one submission).

Conditions:
Hao-Fountain syndrome due to USP7 mutation. Also called: USP7-Related Hao Fountain Syndrome. Identifiers: Orphanet 643538, MedGen C5816734, MONDO:0958071, OMIM 616863.

Submission:

Imagene.me medical diagnostic laboratory, IMAGENE.ME SA
Classification: Pathogenic for Hao-Fountain syndrome due to USP7 mutation. Review status: criteria provided, single submitter. Criteria: IMAGENE.ME Variant Classification SOP 2022. Collection method: clinical testing. Allele origin: de novo. Affected: yes.
Comment: Classified according to the IMAGENE.ME variant classification SOP based on the ACMG guidelines as Pathogenic (P): PVS1 + PS2 + PM2 + PP4